The following is an entry in ClinVar:

NM_005219.5(DIAPH1):c.890C>T (p.Pro297Leu)

Gene: DIAPH1 (diaphanous related formin 1; minus strand). Cytogenetic location: 5q31.3.
Variant type: single nucleotide variant.
Coding change: c.890C>T on transcript NM_005219.5 (MANE Select); coding-DNA position 890, C replaced by T.
Protein change: p.Pro297Leu; replaces proline 297 with leucine.
Molecular consequence: missense variant.
Genome position (GRCh38, 1-based): chr5:141,579,131, G>A on the plus strand (C>T on the coding strand, the complement: DIAPH1 is on the minus strand). VCF-style: chr5-141579131-G-A. GRCh37 (hg19) VCF-style: chr5-140958698-G-A.
Other names: c.863C>T, p.Pro288Leu (NM_001079812.3); c.890C>T, p.Pro297Leu (NM_001314007.2); short protein forms P297L, P288L.
Identifiers: ClinVar variation 2945779 (VCV002945779.3), dbSNP rs201927388, ClinGen allele CA128440121.

ClinVar aggregate classification (germline): Uncertain significance (1 of 4 stars; one submission).

Conditions:
Autosomal dominant nonsyndromic hearing loss 1. Also called: KONIGSMARK SYNDROME; DEAFNESS, AUTOSOMAL DOMINANT 1, WITH OR WITHOUT THROMBOCYTOPENIA. Identifiers: Orphanet 90635, MedGen C1852282, MONDO:0007424, OMIM 124900.
Progressive microcephaly-seizures-cortical blindness-developmental delay syndrome. Also called: Seizures, cortical blindness, and microcephaly syndrome. Identifiers: Orphanet 477814, MedGen C5567650, MONDO:0014714, OMIM 616632.

Allele frequency attached by ClinVar (database versions not stated): gnomAD exomes below 0.00001; TOPMed below 0.00001; gnomAD 0.00001.
gnomAD v4.1: 6 of 1,613,906 alleles (0.00037%); highest among the groups gnomAD compares: African/African-American, 0.0027%; no homozygotes.

Submission:

Labcorp Genetics (formerly Invitae), Labcorp
Classification: Uncertain significance for Progressive microcephaly-seizures-cortical blindness-developmental delay syndrome; Autosomal dominant nonsyndromic hearing loss 1. Last evaluated: 2023-06-06. Review status: criteria provided, single submitter. Criteria: Invitae Variant Classification Sherloc (09022015). Collection method: clinical testing. Allele origin: germline.
Comment: In summary, the available evidence is currently insufficient to determine the role of this variant in disease. Therefore, it has been classified as a Variant of Uncertain Significance. Experimental studies and prediction algorithms are not available or were not evaluated, and the functional significance of this variant is currently unknown. This variant has not been reported in the literature in individuals affected with DIAPH1-related conditions. This variant is present in population databases (rs201927388, gnomAD 0.005%). This sequence change replaces proline, which is neutral and non-polar, with leucine, which is neutral and non-polar, at codon 297 of the DIAPH1 protein (p.Pro297Leu).